The following is an entry in ClinVar:

NM_000392.5(ABCC2):c.3591C>G (p.Val1197=)

Gene: ABCC2 (ATP binding cassette subfamily C member 2; plus strand). Cytogenetic location: 10q24.2.
Variant type: single nucleotide variant.
Coding change: c.3591C>G on transcript NM_000392.5 (MANE Select); coding-DNA position 3591, C replaced by G.
Protein change: p.Val1197=; no amino-acid change (valine 1197 retained).
Molecular consequence: synonymous variant.
Genome position (GRCh38, 1-based): chr10:99,836,267, C>G. VCF-style: chr10-99836267-C-G. GRCh37 (hg19) VCF-style: chr10-101596024-C-G.
Other names: c.3591C>G, p.Val1197= (LRG_1208t1); c.3591C>G (NM_000392.4).
Identifiers: ClinVar variation 597125 (VCV000597125.9), dbSNP rs774159224, ClinGen allele CA5643859.

ClinVar aggregate classification (germline): Conflicting classifications of pathogenicity. Review status: criteria provided, conflicting classifications (1 of 4 stars). 3 submissions from 3 submitters: Uncertain significance (1); Likely benign (2). Last evaluated 2025-06-25.

Conditions:
ABCC2-related disorder. Also called: ABCC2-related condition.

Allele frequency attached by ClinVar (database versions not stated): gnomAD 0.00001; TOPMed 0.00001; gnomAD exomes 0.00002 and 0.00004; ExAC 0.00003.
gnomAD v4.1: 13 of 1,614,044 alleles (0.00081%); highest among the groups gnomAD compares: Admixed American, 0.022%; no homozygotes.

Submissions (3):

PreventionGenetics, part of Exact Sciences
Classification: Likely benign for ABCC2-related condition. Last evaluated: 2025-06-25. Review status: criteria provided, single submitter. Criteria: ACMG Guidelines, 2015. Collection method: clinical testing. Allele origin: germline.
Comment: This variant is classified as likely benign based on ACMG/AMP sequence variant interpretation guidelines (Richards et al. 2015 PMID: 25741868, with internal and published modifications).

Labcorp Genetics (formerly Invitae), Labcorp
Classification: Likely benign. Last evaluated: 2024-03-17. Review status: criteria provided, single submitter. Criteria: Invitae Variant Classification Sherloc (09022015). Collection method: clinical testing. Allele origin: germline.

Eurofins Ntd Llc (ga)
Classification: Uncertain significance. Last evaluated: 2018-05-17. Review status: criteria provided, single submitter. Criteria: EGL ClinVar v180209 classification definitions. Collection method: clinical testing. Allele origin: germline. Observed: 1 variant allele, 1 heterozygote.